The following is an entry in ClinVar:

ClinVar aggregate classification (germline): Conflicting classifications of pathogenicity. Review status: criteria provided, conflicting classifications (1 of 4 stars). 4 submissions from 4 submitters: Uncertain significance (3); Likely benign (1). Last evaluated 2026-06-23.

Conditions:
Inborn genetic diseases. Identifiers: MedGen C0950123, MeSH D030342.
Myoglobinuria, acute recurrent, autosomal recessive. Also called: MYOGLOBINURIA, FAMILIAL PAROXYSMAL PARALYTIC; RHABDOMYOLYSIS, ACUTE RECURRENT; Myoglobinuria, recurrent, autosomal recessive. Identifiers: Orphanet 99845, MedGen C1849386, MONDO:0009992, OMIM 268200.

Allele frequency attached by ClinVar (database versions not stated): TOPMed 0.00012; gnomAD 0.00007.
gnomAD v4.1: 106 of 1,613,798 alleles (0.0066%); highest among the groups gnomAD compares: Admixed American, 0.17%; no homozygotes.

Submissions (4):

Ambry Genetics
Classification: Uncertain significance for Inborn genetic diseases. Last evaluated: 2026-06-23. Review status: criteria provided, single submitter. Criteria: Ambry Variant Classification Scheme 2023. Collection method: clinical testing. Allele origin: germline.

Labcorp Genetics (formerly Invitae), Labcorp
Classification: Likely benign. Last evaluated: 2026-01-19. Review status: criteria provided, single submitter. Criteria: Invitae Variant Classification Sherloc (09022015). Collection method: clinical testing. Allele origin: germline.

ARUP Laboratories, Molecular Genetics and Genomics, ARUP Laboratories
Classification: Uncertain significance for Myoglobinuria, acute recurrent, autosomal recessive. Last evaluated: 2025-04-03. Review status: criteria provided, single submitter. Criteria: ARUP Molecular Germline Variant Investigation Process 2024. Collection method: clinical testing. Allele origin: germline.
Comment: The LPIN1 c.1562C>A; p.Pro521His variant (rs765092602), to our knowledge, is not reported in the medical literature but is reported in ClinVar (Variation ID: 1593320). This variant is found primarily in the Admixed American population with an allele frequency of 0.25% (89/35,440 alleles) in the Genome Aggregation Database (v2.1.1). Computational analyses predict that this variant is deleterious (REVEL: 0.89). Due to limited information, the clinical significance of this variant is uncertain at this time.

Baylor Genetics
Classification: Uncertain significance for Myoglobinuria, acute recurrent, autosomal recessive. Last evaluated: 2023-05-26. Review status: criteria provided, single submitter. Criteria: ACMG Guidelines, 2015. Collection method: clinical testing. Allele origin: unknown.

NM_001349206.2(LPIN1):c.1670C>A (p.Pro557His)

Gene: LPIN1 (lipin 1; plus strand). Cytogenetic location: 2p25.1.
Variant type: single nucleotide variant.
Coding change: c.1670C>A on transcript NM_001349206.2 (MANE Select); coding-DNA position 1670, C replaced by A.
Protein change: p.Pro557His; replaces proline 557 with histidine.
Molecular consequence: missense variant. On other transcripts: non-coding transcript variant (1).
Genome position (GRCh38, 1-based): chr2:11,788,413, C>A. VCF-style: chr2-11788413-C-A. GRCh37 (hg19) VCF-style: chr2-11928539-C-A.
Other names: c.1562C>A (NM_145693.1); c.1580C>A, p.Pro527His (NM_001261427.3); c.1817C>A, p.Pro606His (NM_001261428.3); c.1562C>A, p.Pro521His (NM_001349199.2, NM_001349200.2, NM_001349201.2 and 1 more transcripts); c.1667C>A, p.Pro556His (NM_001349202.2, NM_001349203.2); c.1670C>A, p.Pro557His (NM_001349204.2, NM_001349205.2); c.1760C>A, p.Pro587His (NM_001349207.2); c.1709C>A, p.Pro570His (NM_001349208.2); short protein forms P521H, P527H, P556H, P557H, P570H, P587H, P606H.
Identifiers: ClinVar variation 1593320 (VCV001593320.11), dbSNP rs765092602, ClinGen allele CA1533804.
Genomic context (GRCh38, chr2:11,788,413, plus strand): 5'-GTTTTTTGACATATATTTCATTGTTTTGTGTTAGATATTATAACTGGACAACAGCAGCAC[C>A]CCTCCTCCTGGCAATGCAGGCCTTCCAGAAACCTTTGCCAAAGGTGAGCTTTAACATGAG-3'
Protein context (NP_001336135.1, residues 547-567): SKYYNWTTAA[Pro557His]LLLAMQAFQK